The following is an entry in ClinVar:

ClinVar aggregate classification (germline): Uncertain significance (1 of 4 stars; one submission).

Conditions:
Immunodeficiency, common variable, 4. Also called: ANTIBODY DEFICIENCY DUE TO BAFFR DEFECT. Identifiers: Orphanet 1572, Orphanet 696925, MedGen C3150739, MONDO:0013284, OMIM 613494.

Submission:

Labcorp Genetics (formerly Invitae), Labcorp
Classification: Uncertain significance for Immunodeficiency, common variable, 4. Last evaluated: 2024-05-12. Review status: criteria provided, single submitter. Criteria: Invitae Variant Classification Sherloc (09022015). Collection method: clinical testing. Allele origin: germline.
Comment: This sequence change replaces glycine, which is neutral and non-polar, with arginine, which is basic and polar, at codon 47 of the TNFRSF13C protein (p.Gly47Arg). This variant is not present in population databases (gnomAD no frequency). This variant has not been reported in the literature in individuals affected with TNFRSF13C-related conditions. Algorithms developed to predict the effect of missense changes on protein structure and function output the following: SIFT: "Not Available"; PolyPhen-2: "Benign"; Align-GVGD: "Not Available". The arginine amino acid residue is found in multiple mammalian species, which suggests that this missense change does not adversely affect protein function. In summary, the available evidence is currently insufficient to determine the role of this variant in disease. Therefore, it has been classified as a Variant of Uncertain Significance.

NM_052945.4(TNFRSF13C):c.139G>C (p.Gly47Arg)

Genes: TNFRSF13C (TNF receptor superfamily member 13C; minus strand), LOC130067574 (ATAC-STARR-seq lymphoblastoid silent region 13813; plus strand). Cytogenetic location: 22q13.2.
Variant type: single nucleotide variant.
Coding change: c.139G>C on transcript NM_052945.4 (MANE Select); coding-DNA position 139, G replaced by C.
Protein change: p.Gly47Arg; replaces glycine 47 with arginine.
Molecular consequence: missense variant.
Genome position (GRCh38, 1-based): chr22:41,926,329, C>G on the plus strand (G>C on the coding strand, the complement: TNFRSF13C is on the minus strand). VCF-style: chr22-41926329-C-G. GRCh37 (hg19) VCF-style: chr22-42322333-C-G.
Other names: short protein forms G47R.
Identifiers: ClinVar variation 3714082 (VCV003714082.2).